The following is an entry in ClinVar:

NM_001083116.3(PRF1):c.808G>A (p.Gly270Ser)

Gene: PRF1 (perforin 1; minus strand). Cytogenetic location: 10q22.1.
Variant type: single nucleotide variant.
Coding change: c.808G>A on transcript NM_001083116.3 (MANE Select); coding-DNA position 808, G replaced by A.
Protein change: p.Gly270Ser; replaces glycine 270 with serine.
Molecular consequence: missense variant.
Genome position (GRCh38, 1-based): chr10:70,598,913, C>T on the plus strand (G>A on the coding strand, the complement: PRF1 is on the minus strand). VCF-style: chr10-70598913-C-T. GRCh37 (hg19) VCF-style: chr10-72358669-C-T.
Other names: c.808G>A, p.Gly270Ser (NM_005041.6); short protein forms G270S.
Identifiers: ClinVar variation 1694134 (VCV001694134.5), dbSNP rs143043887, ClinGen allele CA5538908.

ClinVar aggregate classification (germline): Uncertain significance. Review status: criteria provided, multiple submitters, no conflicts (2 of 4 stars). 2 submissions from 2 submitters: Uncertain significance (2). Last evaluated 2022-07-06.

Conditions:
Autoinflammatory syndrome. Identifiers: Orphanet 93665, MedGen C3890737, MONDO:0019751.
Familial hemophagocytic lymphohistiocytosis 2 (FHL2). Also called: PRF1-Related Familial Hemophagocytic Lymphohistiocytosis (PRF1-fHLH). Identifiers: Orphanet 540, MedGen C1863727, MONDO:0011337, OMIM 603553.

Allele frequency attached by ClinVar (database versions not stated): ExAC 0.00003; gnomAD exomes 0.00004; TOPMed 0.00006; gnomAD 0.00007; ESP Exome Variant Server 0.00008.
gnomAD v4.1: 33 of 1,614,122 alleles (0.002%); highest among the groups gnomAD compares: East Asian, 0.022%; no homozygotes.

Submissions (2):

Labcorp Genetics (formerly Invitae), Labcorp
Classification: Uncertain significance for Familial hemophagocytic lymphohistiocytosis 2. Last evaluated: 2022-07-06. Review status: criteria provided, single submitter. Criteria: Invitae Variant Classification Sherloc (09022015). Collection method: clinical testing. Allele origin: germline.
Comment: This sequence change replaces glycine, which is neutral and non-polar, with serine, which is neutral and polar, at codon 270 of the PRF1 protein (p.Gly270Ser). This variant is present in population databases (rs143043887, gnomAD 0.04%). This variant has not been reported in the literature in individuals affected with PRF1-related conditions. Algorithms developed to predict the effect of missense changes on protein structure and function (SIFT, PolyPhen-2, Align-GVGD) all suggest that this variant is likely to be tolerated. In summary, the available evidence is currently insufficient to determine the role of this variant in disease. Therefore, it has been classified as a Variant of Uncertain Significance.

Genome Diagnostics Laboratory, The Hospital for Sick Children
Classification: Uncertain significance for Autoinflammatory syndrome. Last evaluated: 2019-03-01. Review status: criteria provided, single submitter. Criteria: ACMG Guidelines, 2015. Collection method: clinical testing. Allele origin: germline. Affected: yes.